The following is an entry in ClinVar:

NM_004304.5(ALK):c.2281G>C (p.Gly761Arg)

Gene: ALK (ALK receptor tyrosine kinase; minus strand). Cytogenetic location: 2p23.2.
Variant type: single nucleotide variant.
Coding change: c.2281G>C on transcript NM_004304.5 (MANE Select); coding-DNA position 2281, G replaced by C.
Protein change: p.Gly761Arg; replaces glycine 761 with arginine.
Molecular consequence: missense variant.
Genome position (GRCh38, 1-based): chr2:29,239,754, C>G on the plus strand (G>C on the coding strand, the complement: ALK is on the minus strand). VCF-style: chr2-29239754-C-G. GRCh37 (hg19) VCF-style: chr2-29462620-C-G.
Other names: short protein forms G761R.
Identifiers: ClinVar variation 3343070 (VCV003343070.1).

ClinVar aggregate classification (germline): Uncertain significance (1 of 4 stars; one submission).

Submission:

GeneDx
Classification: Uncertain significance. Last evaluated: 2023-04-20. Review status: criteria provided, single submitter. Criteria: GeneDx Variant Classification Process June 2021. Collection method: clinical testing. Allele origin: germline. Affected: yes.
Comment: Not observed at significant frequency in large population cohorts (gnomAD); In silico analysis supports that this missense variant has a deleterious effect on protein structure/function; Has not been previously published as pathogenic or benign to our knowledge